The following is an entry in ClinVar:

NM_001080449.3(DNA2):c.2402+3A>G

Gene: DNA2 (DNA replication helicase/nuclease 2; minus strand). Cytogenetic location: 10q21.3.
Variant type: single nucleotide variant.
Coding change: c.2402+3A>G on transcript NM_001080449.3 (MANE Select); 3 bases into the intron after coding-DNA position 2402, A replaced by G.
Molecular consequence: intron variant.
Genome position (GRCh38, 1-based): chr10:68,422,694, T>C on the plus strand (A>G on the coding strand, the complement: DNA2 is on the minus strand). VCF-style: chr10-68422694-T-C. GRCh37 (hg19) VCF-style: chr10-70182451-T-C.
Identifiers: ClinVar variation 3772313 (VCV003772313.13).
Genomic context (GRCh38, chr10:68,422,694, plus strand): 5'-GTGTACTAAATCTGTTCCTTGAAAATAATCTAGTTTAAAATTAACACTTAAGTGTCTGCC[T>C]ACCTTGCTTCACGGTTTAGCACCAGGGGAGGAAGCTGCTGATGGTCCCCCACTAACACAA-3'

ClinVar aggregate classification (germline): Uncertain significance (1 of 4 stars; one submission).

gnomAD v4.1: 1 of 1,613,442 alleles (0.000062%); highest among the groups gnomAD compares: East Asian, 0.0022%; no homozygotes.

Submission:

CeGaT Center for Human Genetics Tuebingen
Classification: Uncertain significance. Last evaluated: 2025-01-01. Review status: criteria provided, single submitter. Criteria: CeGaT Center For Human Genetics Tuebingen Variant Classification Criteria Version 2. Collection method: clinical testing. Allele origin: germline. Affected: yes. Observed: 1 variant allele.
Comment: DNA2: PM2